The following is an entry in ClinVar:

ClinVar aggregate classification (germline): Uncertain significance. Review status: criteria provided, multiple submitters, no conflicts (2 of 4 stars). 2 submissions from 2 submitters: Uncertain significance (2). Last evaluated 2024-11-08.

Allele frequency attached by ClinVar (database versions not stated): ExAC 0.00001; gnomAD exomes 0.00001 and 0.00002; gnomAD 0.00002.
gnomAD v4.1: 30 of 1,596,038 alleles (0.0019%); highest among the groups gnomAD compares: Non-Finnish European, 0.0024%; no homozygotes.

Submissions (2):

GeneDx
Classification: Uncertain significance. Last evaluated: 2024-11-08. Review status: criteria provided, single submitter. Criteria: GeneDx Variant Classification Process June 2021. Collection method: clinical testing. Allele origin: germline. Affected: yes.
Comment: Not observed at significant frequency in large population cohorts (gnomAD); In silico analysis supports a deleterious effect on splicing; Has not been previously published as pathogenic or benign to our knowledge

Labcorp Genetics (formerly Invitae), Labcorp
Classification: Uncertain significance. Last evaluated: 2023-11-28. Review status: criteria provided, single submitter. Criteria: Invitae Variant Classification Sherloc (09022015). Collection method: clinical testing. Allele origin: germline.
Comment: This sequence change falls in intron 17 of the TONSL gene. It does not directly change the encoded amino acid sequence of the TONSL protein. It affects a nucleotide within the consensus splice site. This variant is present in population databases (rs773056734, gnomAD 0.003%). This variant has not been reported in the literature in individuals affected with TONSL-related conditions. ClinVar contains an entry for this variant (Variation ID: 1407270). Variants that disrupt the consensus splice site are a relatively common cause of aberrant splicing (PMID: 17576681, 9536098). Algorithms developed to predict the effect of sequence changes on RNA splicing suggest that this variant may disrupt the consensus splice site. In summary, the available evidence is currently insufficient to determine the role of this variant in disease. Therefore, it has been classified as a Variant of Uncertain Significance.

Literature cited by the submitters: PubMed 17576681 (cited by Labcorp Genetics (formerly Invitae), Labcorp); PubMed 9536098 (cited by Labcorp Genetics (formerly Invitae), Labcorp).

NM_013432.5(TONSL):c.2775+5G>T

Genes: TONSL (tonsoku like, DNA repair protein; minus strand), TONSL-AS1 (TONSL antisense RNA 1; plus strand). Cytogenetic location: 8q24.3.
Variant type: single nucleotide variant.
Coding change: c.2775+5G>T on transcript NM_013432.5 (MANE Select); 5 bases into the intron after coding-DNA position 2775, G replaced by T.
Molecular consequence: intron variant.
Genome position (GRCh38, 1-based): chr8:144,435,653, C>A on the plus strand (G>T on the coding strand, the complement: TONSL is on the minus strand). VCF-style: chr8-144435653-C-A. GRCh37 (hg19) VCF-style: chr8-145661036-C-A.
Identifiers: ClinVar variation 1407270 (VCV001407270.5), dbSNP rs773056734, ClinGen allele CA4942734.